The following is an entry in ClinVar:

NM_003922.4(HERC1):c.8467G>A (p.Gly2823Arg)

Gene: HERC1 (HECT and RLD domain containing E3 ubiquitin protein ligase family member 1; minus strand). Cytogenetic location: 15q22.31.
Variant type: single nucleotide variant.
Coding change: c.8467G>A on transcript NM_003922.4 (MANE Select); coding-DNA position 8467, G replaced by A.
Protein change: p.Gly2823Arg; replaces glycine 2823 with arginine.
Molecular consequence: missense variant.
Genome position (GRCh38, 1-based): chr15:63,666,007, C>T on the plus strand (G>A on the coding strand, the complement: HERC1 is on the minus strand). VCF-style: chr15-63666007-C-T. GRCh37 (hg19) VCF-style: chr15-63958206-C-T.
Other names: c.8467G>A (NM_003922.3); short protein forms G2823R.
Identifiers: ClinVar variation 1897609 (VCV001897609.7), dbSNP rs756351843, ClinGen allele CA7604936.
Genomic context (GRCh38, chr15:63,666,007, plus strand): 5'-CAGCATCAGCTGATGGTATGTCTCCAGGTGACTGCAAATAACAGGGATCATTTGACTTCC[C>T]GCCACTGCCTAGAACGGCTGCTCCAGGCCTAGAGTCTGCTGTGCTGCCCGACTGGGGCTC-3'
Protein context (NP_003913.3, residues 2813-2833): RPGAAVLGSG[Gly2823Arg]KSNDPCYLQS

ClinVar aggregate classification (germline): Uncertain significance. Review status: criteria provided, multiple submitters, no conflicts (2 of 4 stars). 2 submissions from 2 submitters: Uncertain significance (2). Last evaluated 2023-06-29.

Conditions:
Inborn genetic diseases. Identifiers: MedGen C0950123, MeSH D030342.

Allele frequency attached by ClinVar (database versions not stated): gnomAD exomes 0.00003; ExAC 0.00004.
gnomAD v4.1: 43 of 1,613,864 alleles (0.0027%); highest among the groups gnomAD compares: South Asian, 0.014%; no homozygotes.

Submissions (2):

Labcorp Genetics (formerly Invitae), Labcorp
Classification: Uncertain significance. Last evaluated: 2023-06-29. Review status: criteria provided, single submitter. Criteria: Invitae Variant Classification Sherloc (09022015). Collection method: clinical testing. Allele origin: germline.
Comment: In summary, the available evidence is currently insufficient to determine the role of this variant in disease. Therefore, it has been classified as a Variant of Uncertain Significance. An algorithm developed to predict the effect of missense changes on protein structure and function (PolyPhen-2) suggests that this variant is likely to be disruptive. ClinVar contains an entry for this variant (Variation ID: 1897609). This variant has not been reported in the literature in individuals affected with HERC1-related conditions. This variant is present in population databases (rs756351843, gnomAD 0.01%). This sequence change replaces glycine, which is neutral and non-polar, with arginine, which is basic and polar, at codon 2823 of the HERC1 protein (p.Gly2823Arg).

Ambry Genetics
Classification: Uncertain significance for Inborn genetic diseases. Last evaluated: 2023-06-02. Review status: criteria provided, single submitter. Criteria: Ambry Variant Classification Scheme 2023. Collection method: clinical testing. Allele origin: germline.